The following is an entry in ClinVar:

ClinVar aggregate classification (germline): Likely pathogenic (1 of 4 stars; one submission).

Conditions:
Rubinstein-Taybi syndrome (RSTS). Identifiers: Orphanet 783, MedGen C0035934, MONDO:0019188.

Submission:

Labcorp Genetics (formerly Invitae), Labcorp
Classification: Likely pathogenic for Rubinstein-Taybi syndrome. Last evaluated: 2023-10-04. Review status: criteria provided, single submitter. Criteria: Invitae Variant Classification Sherloc (09022015). Collection method: clinical testing. Allele origin: germline.
Comment: This variant results in the deletion of part of exon 16 (c.3248_3250+4del) of the CREBBP gene. It is expected to disrupt RNA splicing. Variants that disrupt the donor or acceptor splice site typically lead to a loss of protein function (PMID: 16199547), and loss-of-function variants in CREBBP are known to be pathogenic (PMID: 17052327, 18792986). This variant is not present in population databases (gnomAD no frequency). This variant has not been reported in the literature in individuals affected with CREBBP-related conditions. In summary, the currently available evidence indicates that the variant is pathogenic, but additional data are needed to prove that conclusively. Therefore, this variant has been classified as Likely Pathogenic.

Literature cited by the submitters: PubMed 16199547; PubMed 17052327; PubMed 18792986.

NM_004380.3(CREBBP):c.3248_3250+4del

Gene: CREBBP (CREB binding lysine acetyltransferase; minus strand). Cytogenetic location: 16p13.3.
Variant type: Deletion.
Coding change: c.3248_3250+4del on transcript NM_004380.3 (MANE Select); coding-DNA position 3248 through 4 bases into the intron after coding-DNA position 3250, 7 bases deleted (AAAGTAG; older notation c.3248_3250+4delAAAGTAG).
Molecular consequence: splice donor variant.
Genome position (GRCh38, 1-based): chr16:3,767,716-3,767,722, CTACTTT deleted on the plus strand (AAAGTAG on the coding strand, the reverse complement: CREBBP is on the minus strand). VCF-style (leftmost placement, unchanged base first): chr16-3767715-CCTACTTT-C. GRCh37 (hg19) VCF-style: chr16-3817716-CCTACTTT-C.
Other names: c.3134_3136+4del (NM_001079846.1).
Identifiers: ClinVar variation 2765572 (VCV002765572.3), dbSNP rs2548406913, ClinGen allele CA2697549652.
Genomic context (GRCh38, chr16:3,767,715, plus strand): 5'-CACATGGAATCCTAACACCGTGGAAAAGCAGCATGCTTTAATAAGGTAATGAATAAATGG[CCTACTTT>C]TTTTGCGCGGCTGCGAAGGAGATGTTGACTGAGAGGCTGTGCCGTTACTGCTACTCTCTT-3'